The following is an entry in ClinVar:

ClinVar aggregate classification (germline): Uncertain significance (1 of 4 stars; one submission).

Conditions:
Long QT syndrome (LQTS). Identifiers: MedGen C0023976, MeSH D008133, MONDO:0002442. Disease mechanism: loss of function. Inheritance: Various modes of inheritance.

Submission:

All of Us Research Program, National Institutes of Health
Classification: Uncertain significance for Long QT syndrome. Last evaluated: 2023-04-10. Review status: criteria provided, single submitter. Criteria: ACMG Guidelines, 2015. Collection method: clinical testing. Allele origin: germline. Inheritance: Autosomal dominant inheritance. Observed: 1 variant allele, 1 heterozygote.
Comment: This missense variant replaces leucine with valine at codon 87 of the KCNH2 protein. Computational prediction is inconclusive regarding the impact of this variant on protein structure and function (internally defined REVEL score threshold 0.5 < inconclusive < 0.7, PMID: 27666373). To our knowledge, functional studies have not been reported for this variant. This variant has not been reported in individuals affected with KCNH2-related disorders in the literature. This variant has not been identified in the general population by the Genome Aggregation Database (gnomAD). The available evidence is insufficient to determine the role of this variant in disease conclusively. Therefore, this variant is classified as a Variant of Uncertain Significance.

This study involves interpretation of variants in research participants for the purpose of population health screening. Participant phenotype was not available at the time of variant classification. Additional details can be found in publication PMID: 35346344, PMCID: PMC8962531

NM_000238.4(KCNH2):c.259C>G (p.Leu87Val)

Gene: KCNH2 (potassium voltage-gated channel subfamily H member 2; minus strand). Cytogenetic location: 7q36.1.
Variant type: single nucleotide variant.
Coding change: c.259C>G on transcript NM_000238.4 (MANE Select); coding-DNA position 259, C replaced by G.
Protein change: p.Leu87Val; replaces leucine 87 with valine.
Molecular consequence: missense variant. On other transcripts: non-coding transcript variant (1).
Genome position (GRCh38, 1-based): chr7:150,974,759, G>C on the plus strand (C>G on the coding strand, the complement: KCNH2 is on the minus strand). VCF-style: chr7-150974759-G-C. GRCh37 (hg19) VCF-style: chr7-150671847-G-C.
Other names: c.82C>G, p.Leu28Val (NM_001406755.1); c.259C>G, p.Leu87Val (NM_172056.3); short protein forms L28V, L87V.
Identifiers: ClinVar variation 3070391 (VCV003070391.1), dbSNP rs2486155467, ClinGen allele CA369865438.